The following is an entry in ClinVar:

NM_033087.4(ALG2):c.733G>A (p.Glu245Lys)

Gene: ALG2 (ALG2 alpha-1,3/1,6-mannosyltransferase; minus strand). Cytogenetic location: 9q22.33.
Variant type: single nucleotide variant.
Coding change: c.733G>A on transcript NM_033087.4 (MANE Select); coding-DNA position 733, G replaced by A.
Protein change: p.Glu245Lys; replaces glutamic acid 245 with lysine.
Molecular consequence: missense variant. On other transcripts: non-coding transcript variant (1).
Genome position (GRCh38, 1-based): chr9:99,218,452, C>T on the plus strand (G>A on the coding strand, the complement: ALG2 is on the minus strand). VCF-style: chr9-99218452-C-T. GRCh37 (hg19) VCF-style: chr9-101980734-C-T.
Other names: c.733G>A (NM_033087.3); short protein forms E245K.
Identifiers: ClinVar variation 1509418 (VCV001509418.7), dbSNP rs777262456, ClinGen allele CA5156261.

ClinVar aggregate classification (germline): Uncertain significance. Review status: criteria provided, multiple submitters, no conflicts (2 of 4 stars). 2 submissions from 2 submitters: Uncertain significance (2). Last evaluated 2025-07-15.

Conditions:
Congenital disorder of glycosylation, type Ii. Also called: ALG2-CDG; CDG Ii; ALG2-congenital disorder of glycosylation. Identifiers: Orphanet 79326, MedGen C1842836, MONDO:0011933, OMIM 607906.
Congenital myasthenic syndrome 14. Also called: Myasthenic syndrome, congenital, 14, with tubular aggregates. Identifiers: Orphanet 353327, Orphanet 590, MedGen C4015597, MONDO:0014543, OMIM 616228.
Inborn genetic diseases. Identifiers: MedGen C0950123, MeSH D030342.

Allele frequency attached by ClinVar (database versions not stated): ExAC 0.00001; gnomAD exomes below 0.00001; gnomAD 0.00001.

Submissions (2):

Ambry Genetics
Classification: Uncertain significance for Inborn genetic diseases. Last evaluated: 2025-07-15. Review status: criteria provided, single submitter. Criteria: Ambry Variant Classification Scheme 2023. Collection method: clinical testing. Allele origin: germline.

Labcorp Genetics (formerly Invitae), Labcorp
Classification: Uncertain significance for Congenital disorder of glycosylation, type Ii; Congenital myasthenic syndrome 14. Last evaluated: 2022-06-05. Review status: criteria provided, single submitter. Criteria: Invitae Variant Classification Sherloc (09022015). Collection method: clinical testing. Allele origin: germline.
Comment: This variant has not been reported in the literature in individuals affected with ALG2-related conditions. This variant is present in population databases (rs777262456, gnomAD 0.0009%). This sequence change replaces glutamic acid, which is acidic and polar, with lysine, which is basic and polar, at codon 245 of the ALG2 protein (p.Glu245Lys). In summary, the available evidence is currently insufficient to determine the role of this variant in disease. Therefore, it has been classified as a Variant of Uncertain Significance. Algorithms developed to predict the effect of missense changes on protein structure and function (SIFT, PolyPhen-2, Align-GVGD) all suggest that this variant is likely to be tolerated. ClinVar contains an entry for this variant (Variation ID: 1509418).